The following is an entry in ClinVar:

ClinVar aggregate classification (germline): Likely benign (1 of 4 stars; one submission).

Allele frequency attached by ClinVar (database versions not stated): ExAC 0.00002; gnomAD exomes 0.00001.
gnomAD v4.1: 11 of 1,613,600 alleles (0.00068%); highest among the groups gnomAD compares: Non-Finnish European, 0.00068%; no homozygotes.

Submission:

CeGaT Center for Human Genetics Tuebingen
Classification: Likely benign. Last evaluated: 2023-09-01. Review status: criteria provided, single submitter. Criteria: CeGaT Center For Human Genetics Tuebingen Variant Classification Criteria Version 2. Collection method: clinical testing. Allele origin: germline. Affected: yes. Observed: 1 variant allele.
Comment: DLD: BP4, BP7

NM_000108.5(DLD):c.846C>G (p.Thr282=)

Gene: DLD (dihydrolipoamide dehydrogenase; plus strand). Cytogenetic location: 7q31.1.
Variant type: single nucleotide variant.
Coding change: c.846C>G on transcript NM_000108.5 (MANE Select); coding-DNA position 846, C replaced by G.
Protein change: p.Thr282=; no amino-acid change (threonine 282 retained).
Molecular consequence: synonymous variant.
Genome position (GRCh38, 1-based): chr7:107,915,667, C>G. VCF-style: chr7-107915667-C-G. GRCh37 (hg19) VCF-style: chr7-107556112-C-G.
Other names: c.549C>G, p.Thr183= (NM_001289750.1); c.777C>G, p.Thr259= (NM_001289751.1); c.702C>G, p.Thr234= (NM_001289752.1).
Identifiers: ClinVar variation 2657933 (VCV002657933.24), dbSNP rs762987676, ClinGen allele CA4434564.
Genomic context (GRCh38, chr7:107,915,667, plus strand): 5'-ACGCATCCTTCAAAAACAGGGGTTTAAATTTAAATTGAATACAAAGGTTACTGGTGCTAC[C>G]AAGAAGTCAGATGGAAAAATTGATGTTTCGTAAGTATACATCATTTGTTTTTGATGTATC-3'
Protein context (NP_000099.2, residues 272-292): FKLNTKVTGA[Thr282=]KKSDGKIDVS